The following is an entry in ClinVar:

ClinVar aggregate classification (germline): Pathogenic (0 of 4 stars; one submission).

Conditions:
Pyruvate dehydrogenase E1-alpha deficiency (PDHAD). Also called: ATAXIA, INTERMITTENT, WITH PYRUVATE DEHYDROGENASE DEFICIENCY; ATAXIA WITH LACTIC ACIDOSIS I; ATAXIA, INTERMITTENT, WITH ABNORMAL PYRUVATE METABOLISM; Ataxia, intermittent, with pyruvate dehydrogenase, or decarboxylase, deficiency. Identifiers: Orphanet 79243, MedGen C1839413, MONDO:0010717, OMIM 312170.

Submission:

PDHA1 Study Group, University Children’s Hospital, Paracelsus Medical University
Classification: Pathogenic for Pyruvate dehydrogenase E1-alpha deficiency. Last evaluated: 2024-10-15. Review status: no assertion criteria provided. Collection method: research. Allele origin: germline. Affected: yes. Observed: 1 variant allele.
Comment: The NM_000284.3:c.562_858dup (p.Glu188_Thr286dup) change is a deletion-insertion (delins) variant in PDHA1 gene. Last literature search: July 12, 2024. This variant is absent or extremely rare in population-based cohorts in the Genome Aggregation Database (gnomAD). Individuals harboring this variant presented with clinical features compatible with PDHA1-related PDHc deficiency. In summary, this variant meets criteria to be classified as pathogenic (P) for PDHA1-related PDHc deficiency based on the ACMG/AMP criteria applied: PVS1, PS3, PM1, PM2, PM4, PM7 (last assessment October 15, 2024).

Literature cited by the submitters: DOI 10.1093/brain/awaf430.

NM_000284.3:c.562_858dup

Gene: PDHA1 (pyruvate dehydrogenase E1 subunit alpha 1; plus strand).
Variant type: Duplication.
Identifiers: ClinVar variation 4070339 (VCV004070339.1).